The following is an entry in ClinVar:

NM_020971.3(SPTBN4):c.4306G>A (p.Val1436Met)

Gene: SPTBN4 (spectrin beta, non-erythrocytic 4; plus strand). Cytogenetic location: 19q13.2.
Variant type: single nucleotide variant.
Coding change: c.4306G>A on transcript NM_020971.3 (MANE Select); coding-DNA position 4306, G replaced by A.
Protein change: p.Val1436Met; replaces valine 1436 with methionine.
Molecular consequence: missense variant.
Genome position (GRCh38, 1-based): chr19:40,534,290, G>A. VCF-style: chr19-40534290-G-A. GRCh37 (hg19) VCF-style: chr19-41040197-G-A.
Other names: c.334G>A, p.Val112Met (NM_025213.3); short protein forms V112M, V1436M.
Identifiers: ClinVar variation 1698120 (VCV001698120.2), dbSNP rs780767423, ClinGen allele CA9446224.

ClinVar aggregate classification (germline): Uncertain significance (1 of 4 stars; one submission).

Allele frequency attached by ClinVar (database versions not stated): TOPMed 0.00001; ExAC 0.00002.
gnomAD v4.1: 51 of 1,614,056 alleles (0.0032%); highest among the groups gnomAD compares: Non-Finnish European, 0.0041%; no homozygotes.

Submission:

GeneDx
Classification: Uncertain significance. Last evaluated: 2022-01-20. Review status: criteria provided, single submitter. Criteria: GeneDx Variant Classification Process June 2021. Collection method: clinical testing. Allele origin: germline. Affected: yes.
Comment: Not observed at significant frequency in large population cohorts (gnomAD); In silico analysis supports that this missense variant does not alter protein structure/function; Has not been previously published as pathogenic or benign to our knowledge